The following is an entry in ClinVar:

NM_000548.5(TSC2):c.139-17C>T

Gene: TSC2 (TSC complex subunit 2; plus strand). Cytogenetic location: 16p13.3.
Variant type: single nucleotide variant.
Coding change: c.139-17C>T on transcript NM_000548.5 (MANE Select); 17 bases into the intron before coding-DNA position 139, C replaced by T.
Molecular consequence: intron variant.
Genome position (GRCh38, 1-based): chr16:2,050,383, C>T. VCF-style: chr16-2050383-C-T. GRCh37 (hg19) VCF-style: chr16-2100384-C-T.
Other names: c.139-17C>T (NM_001114382.3, NM_021055.3, NM_001370405.1 and 4 more transcripts); c.-88-17C>T (NM_001318831.2); c.-9-17C>T (NM_001318829.2); c.172-17C>T (NM_001318832.2).
Identifiers: ClinVar variation 1567594 (VCV001567594.10), dbSNP rs748987903, ClinGen allele CA029960.

ClinVar aggregate classification (germline): Likely benign. Review status: criteria provided, multiple submitters, no conflicts (2 of 4 stars). 3 submissions from 3 submitters: Likely benign (3). Last evaluated 2025-09-28.

Conditions:
Tuberous sclerosis 2 (TSC2). Identifiers: Orphanet 805, MedGen C1860707, MONDO:0013199, OMIM 613254.

Allele frequency attached by ClinVar (database versions not stated): gnomAD exomes below 0.00001; ExAC 0.00001.
gnomAD v4.1: 4 of 1,613,382 alleles (0.00025%); highest among the groups gnomAD compares: Non-Finnish European, 0.00034%; no homozygotes.

Submissions (3):

Labcorp Genetics (formerly Invitae), Labcorp
Classification: Likely benign for Tuberous sclerosis 2. Last evaluated: 2025-09-28. Review status: criteria provided, single submitter. Criteria: Invitae Variant Classification Sherloc (09022015). Collection method: clinical testing. Allele origin: germline.

Myriad Genetics, Inc.
Classification: Likely benign for Tuberous sclerosis 2. Last evaluated: 2025-04-30. Review status: criteria provided, single submitter. Criteria: Myriad Autosomal Dominant, Autosomal Recessive and X-Linked Classification Criteria (2023). Collection method: clinical testing. Allele origin: unknown.
Comment: This variant is considered likely benign. This variant is intronic and is not expected to impact mRNA splicing.

Blueprint Genetics
Classification: Likely benign. Last evaluated: 2024-10-17. Review status: criteria provided, single submitter. Criteria: ACMG Guidelines, 2015. Collection method: clinical testing. Allele origin: germline.